The following is an entry in ClinVar:

NM_005585.5(SMAD6):c.452A>G (p.Glu151Gly)

Gene: SMAD6 (SMAD family member 6; plus strand). Cytogenetic location: 15q22.31.
Variant type: single nucleotide variant.
Coding change: c.452A>G on transcript NM_005585.5 (MANE Select); coding-DNA position 452, A replaced by G.
Protein change: p.Glu151Gly; replaces glutamic acid 151 with glycine.
Molecular consequence: missense variant. On other transcripts: non-coding transcript variant (1).
Genome position (GRCh38, 1-based): chr15:66,703,710, A>G. VCF-style: chr15-66703710-A-G. GRCh37 (hg19) VCF-style: chr15-66996048-A-G.
Other names: short protein forms E151G.
Identifiers: ClinVar variation 3445892 (VCV003445892.1).

ClinVar aggregate classification (germline): Uncertain significance (1 of 4 stars; one submission).

Conditions:
Inborn genetic diseases. Identifiers: MedGen C0950123, MeSH D030342.

gnomAD v4.1: 1 of 1,346,162 alleles (0.000074%); highest among the groups gnomAD compares: African/African-American, 0.0015%; no homozygotes.

Submission:

Ambry Genetics
Classification: Uncertain significance for Inborn genetic diseases. Last evaluated: 2024-08-25. Review status: criteria provided, single submitter. Criteria: Ambry Variant Classification Scheme 2023. Collection method: clinical testing. Allele origin: germline.
Comment: The p.E151G variant (also known as c.452A>G), located in coding exon 1 of the SMAD6 gene, results from an A to G substitution at nucleotide position 452. The glutamic acid at codon 151 is replaced by glycine, an amino acid with similar properties. This amino acid position is conserved. In addition, this alteration is predicted to be tolerated by in silico analysis. Based on the available evidence, the clinical significance of this variant remains unclear.